The following is an entry in ClinVar:

NM_000530.8(MPZ):c.325G>A (p.Asp109Asn)

Gene: MPZ (myelin protein zero; minus strand). Cytogenetic location: 1q23.3.
Variant type: single nucleotide variant.
Coding change: c.325G>A on transcript NM_000530.8 (MANE Select); coding-DNA position 325, G replaced by A.
Protein change: p.Asp109Asn; replaces aspartic acid 109 with asparagine.
Molecular consequence: missense variant.
Genome position (GRCh38, 1-based): chr1:161,306,831, C>T on the plus strand (G>A on the coding strand, the complement: MPZ is on the minus strand). VCF-style: chr1-161306831-C-T. GRCh37 (hg19) VCF-style: chr1-161276621-C-T.
Other names: c.325G>A (LRG_256t1); c.325G>A, p.Asp109Asn (NM_001315491.2); short protein forms D109N.
Identifiers: ClinVar variation 411668 (VCV000411668.11), dbSNP rs1060503420, ClinGen allele CA16609894.

ClinVar aggregate classification (germline): Pathogenic. Review status: criteria provided, single submitter (1 of 4 stars). 2 submissions from 2 submitters: Pathogenic (1). 1 of the submissions does not count toward it. Last evaluated 2025-03-30.

Conditions:
Charcot-Marie-Tooth disease, type I (CMT1). Also called: Charcot-Marie-Tooth, Type 1; Charcot-Marie-Tooth disease type 1. Identifiers: Orphanet 65753, MedGen C0751036, MONDO:0019011.
Charcot-Marie-Tooth disease. Also called: Charcot-Marie-Tooth Neuropathy; Charcot-Marie-Tooth Hereditary Neuropathy. Identifiers: Orphanet 166, MedGen C0007959, MONDO:0015626.

Submissions (2):

Labcorp Genetics (formerly Invitae), Labcorp
Classification: Pathogenic for Charcot-Marie-Tooth disease, type I. Last evaluated: 2025-03-30. Review status: criteria provided, single submitter. Criteria: Invitae Variant Classification Sherloc (09022015). Collection method: clinical testing. Allele origin: germline.
Comment: This sequence change replaces aspartic acid, which is acidic and polar, with asparagine, which is neutral and polar, at codon 109 of the MPZ protein (p.Asp109Asn). This variant is not present in population databases (gnomAD no frequency). This missense change has been observed in individual(s) with clinical features of Charcot-Marie-Tooth disease (internal data). In at least one individual the variant was observed to be de novo. ClinVar contains an entry for this variant (Variation ID: 411668). Invitae Evidence Modeling of protein sequence and biophysical properties (such as structural, functional, and spatial information, amino acid conservation, physicochemical variation, residue mobility, and thermodynamic stability) indicates that this missense variant is not expected to disrupt MPZ protein function with a negative predictive value of 80%. This variant disrupts the p.Asp109 amino acid residue in MPZ. Other variant(s) that disrupt this residue have been observed in individuals with MPZ-related conditions (PMID: 14742601; internal data), which suggests that this may be a clinically significant amino acid residue. For these reasons, this variant has been classified as Pathogenic.

Inherited Neuropathy Consortium
Classification: Uncertain significance for Charcot-Marie-Tooth disease. Review status: no assertion criteria provided. Collection method: literature only. Allele origin: germline. Affected: yes. Not counted in ClinVar's aggregate classification.

Literature cited by the submitters: PubMed 14742601 (cited by Labcorp Genetics (formerly Invitae), Labcorp); PubMed 10545037 (cited by Inherited Neuropathy Consortium).